The following is an entry in ClinVar:

NM_001267550.2(TTN):c.5884C>T (p.Gln1962Ter)

Gene: TTN (titin; minus strand). Cytogenetic location: 2q31.2.
Variant type: single nucleotide variant.
Coding change: c.5884C>T on transcript NM_001267550.2 (MANE Select); coding-DNA position 5884, C replaced by T.
Protein change: p.Gln1962Ter; replaces glutamine 1962 with a stop codon.
Molecular consequence: nonsense.
Genome position (GRCh38, 1-based): chr2:178,775,980, G>A on the plus strand (C>T on the coding strand, the complement: TTN is on the minus strand). VCF-style: chr2-178775980-G-A. GRCh37 (hg19) VCF-style: chr2-179640707-G-A.
Other names: c.5884C>T, p.Gln1962Ter (NM_001256850.1, NM_133378.4, NM_133379.5); c.5746C>T, p.Gln1916Ter (NM_003319.4, NM_133432.3, NM_133437.4); short protein forms Q1916*, Q1962*.
Identifiers: ClinVar variation 2098186 (VCV002098186.5), dbSNP rs773951165, ClinGen allele CA349445877.

ClinVar aggregate classification (germline): Likely pathogenic. Review status: criteria provided, single submitter (1 of 4 stars). 2 submissions from 2 submitters: Likely pathogenic (1). 1 of the submissions does not count toward it. Last evaluated 2024-10-18.

Conditions:
Dilated cardiomyopathy 1G (CMD1G). Identifiers: Orphanet 154, MedGen C1858763, MONDO:0011400, OMIM 604145.
Autosomal recessive limb-girdle muscular dystrophy type 2J (LGMDR10). Also called: Limb-girdle muscular dystrophy, type 2J; MUSCULAR DYSTROPHY, LIMB-GIRDLE, AUTOSOMAL RECESSIVE 10. Identifiers: Orphanet 140922, MedGen C1837342, MONDO:0012127, OMIM 608807.

Submissions (2):

Labcorp Genetics (formerly Invitae), Labcorp
Classification: Likely pathogenic for Dilated cardiomyopathy 1G; Autosomal recessive limb-girdle muscular dystrophy type 2J. Last evaluated: 2024-10-18. Review status: criteria provided, single submitter. Criteria: Invitae Variant Classification Sherloc (09022015). Collection method: clinical testing. Allele origin: germline.
Comment: This sequence change creates a premature translational stop signal (p.Gln1962*) in the TTN gene. While this is not anticipated to result in nonsense mediated decay, it is expected to create a truncated TTN protein. This variant is not present in population databases (gnomAD no frequency). This premature translational stop signal has been observed in individual(s) with clinical features of autosomal recessive limb girdle muscular dystrophy (PMID: 33333461). ClinVar contains an entry for this variant (Variation ID: 2098186). This variant is located in the Z band of TTN (PMID: 25589632). Truncating variants in this region have been reported in individuals affected with autosomal recessive centronuclear myopathy (PMID: 33449170, internal data). Truncating variants in this region have also been identified in individuals affected with autosomal dominant dilated cardiomyopathy and/or cardio-related conditions (PMID: 27869827, 32964742, internal data). In summary, the currently available evidence indicates that the variant is pathogenic, but additional data are needed to prove that conclusively. Therefore, this variant has been classified as Likely Pathogenic.

Cardiogenetics and Myogenetics Molecular and Cellular Functional Unit, Aphp Sorbonne University-Hopital Pitie Salpetriere
Classification: Likely pathogenic for Dilated cardiomyopathy 1G. Last evaluated: 2024-01-06. Review status: no assertion criteria provided. Collection method: clinical testing. Allele origin: germline. Affected: yes. Not counted in ClinVar's aggregate classification.

Literature cited by the submitters: PubMed 33333461 (cited by Labcorp Genetics (formerly Invitae), Labcorp); PubMed 25589632 (cited by Labcorp Genetics (formerly Invitae), Labcorp); PubMed 33449170 (cited by Labcorp Genetics (formerly Invitae), Labcorp); PubMed 27869827 (cited by Labcorp Genetics (formerly Invitae), Labcorp); PubMed 32964742 (cited by Labcorp Genetics (formerly Invitae), Labcorp).